The following is an entry in ClinVar:

NM_001083962.2(TCF4):c.616C>T (p.Pro206Ser)

Gene: TCF4 (transcription factor 4; minus strand). Cytogenetic location: 18q21.2.
Variant type: single nucleotide variant.
Coding change: c.616C>T on transcript NM_001083962.2 (MANE Select); coding-DNA position 616, C replaced by T.
Protein change: p.Pro206Ser; replaces proline 206 with serine.
Molecular consequence: missense variant. On other transcripts: 5 prime UTR variant (1).
Genome position (GRCh38, 1-based): chr18:55,279,590, G>A on the plus strand (C>T on the coding strand, the complement: TCF4 is on the minus strand). VCF-style: chr18-55279590-G-A. GRCh37 (hg19) VCF-style: chr18-52946821-G-A.
Other names: c.922C>T, p.Pro308Ser (NM_001243226.3); c.544C>T, p.Pro182Ser (NM_001243227.2, NM_001306207.1, NM_001348217.1 and 9 more transcripts); c.634C>T, p.Pro212Ser (NM_001243228.2); c.610C>T, p.Pro204Ser (NM_001243230.2); c.490C>T, p.Pro164Ser (NM_001243231.2, NM_001348211.2); c.403C>T, p.Pro135Ser (NM_001243232.1, NM_001306208.1); c.226C>T, p.Pro76Ser (NM_001243233.2, NM_001330605.3, NM_001348212.2 and 1 more transcripts); c.136C>T, p.Pro46Ser (NM_001243234.2, NM_001243235.2, NM_001243236.2 and 2 more transcripts); and 4 more; short protein forms P164S, P204S, P206S, P76S, P182S, P212S, P135S, P46S.
Identifiers: ClinVar variation 4711247 (VCV004711247.2).

ClinVar aggregate classification (germline): Uncertain significance. Review status: criteria provided, multiple submitters, no conflicts (2 of 4 stars). 2 submissions from 2 submitters: Uncertain significance (2). Last evaluated 2026-01-12.

Conditions:
Pitt-Hopkins syndrome (PTHS). Also called: ENCEPHALOPATHY, SEVERE EPILEPTIC, WITH AUTONOMIC DYSFUNCTION; MENTAL RETARDATION, SYNDROMAL, WITH INTERMITTENT HYPERVENTILATION. Identifiers: Orphanet 2896, MedGen C1970431, MONDO:0012589, OMIM 610954.

gnomAD v4.1: 6 of 1,613,986 alleles (0.00037%); highest among the groups gnomAD compares: Non-Finnish European, 0.00051%; no homozygotes.

Submissions (2):

Labcorp Genetics (formerly Invitae), Labcorp
Classification: Uncertain significance for Pitt-Hopkins syndrome. Last evaluated: 2026-01-12. Review status: criteria provided, single submitter. Criteria: Invitae Variant Classification Sherloc (09022015). Collection method: clinical testing. Allele origin: germline.
Comment: This sequence change replaces proline, which is neutral and non-polar, with serine, which is neutral and polar, at codon 206 of the TCF4 protein (p.Pro206Ser). This variant is not present in population databases (gnomAD no frequency). This variant has not been reported in the literature in individuals affected with TCF4-related conditions. Invitae Evidence Modeling of protein sequence and biophysical properties (such as structural, functional, and spatial information, amino acid conservation, physicochemical variation, residue mobility, and thermodynamic stability) indicates that this missense variant is not expected to disrupt TCF4 protein function with a negative predictive value of 95%. In summary, the available evidence is currently insufficient to determine the role of this variant in disease. Therefore, it has been classified as a Variant of Uncertain Significance.

Blueprint Genetics
Classification: Uncertain significance. Last evaluated: 2022-10-11. Review status: criteria provided, single submitter. Criteria: ACMG Guidelines, 2015. Collection method: clinical testing. Allele origin: germline.